The following is an entry in ClinVar:

NM_000352.6(ABCC8):c.3640C>T (p.Arg1214Trp)

Gene: ABCC8 (ATP binding cassette subfamily C member 8; minus strand). Cytogenetic location: 11p15.1.
Variant type: single nucleotide variant.
Coding change: c.3640C>T on transcript NM_000352.6 (MANE Select); coding-DNA position 3640, C replaced by T.
Protein change: p.Arg1214Trp; replaces arginine 1214 with tryptophan.
Molecular consequence: missense variant. On other transcripts: non-coding transcript variant (1).
Genome position (GRCh38, 1-based): chr11:17,402,671, G>A on the plus strand (C>T on the coding strand, the complement: ABCC8 is on the minus strand). VCF-style: chr11-17402671-G-A. GRCh37 (hg19) VCF-style: chr11-17424218-G-A.
Other names: c.3643C>T, p.Arg1215Trp (NM_001287174.3); c.3706C>T, p.Arg1236Trp (NM_001351295.2); c.3640C>T, p.Arg1214Trp (NM_001351296.2); c.3637C>T, p.Arg1213Trp (NM_001351297.2); short protein forms R1214W, R1215W, R1213W, R1236W.
Identifiers: ClinVar variation 235633 (VCV000235633.22), dbSNP rs139964066, ClinGen allele CA5902756.

ClinVar aggregate classification (germline): Pathogenic. Review status: criteria provided, multiple submitters, no conflicts (2 of 4 stars). 11 submissions from 11 submitters: Pathogenic (9). 2 of the submissions do not count toward it. Last evaluated 2026-01-07.

Conditions:
Hyperinsulinemic hypoglycemia, familial, 1 (HHF1). Also called: Persistent Hyperinsulinemia Hypoglycemia of Infancy; HYPERINSULINISM, FAMILIAL, WITH PANCREATIC NESIDIOBLASTOSIS; HYPOGLYCEMIA, HYPERINSULINEMIC, OF INFANCY; NESIDIOBLASTOSIS OF PANCREAS; Persistent hyperinsulinemic hypoglycemia of infancy. Identifiers: Orphanet 276575, Orphanet 276598, MedGen C2931832, MONDO:0009734, OMIM 256450.
Leucine-induced hypoglycemia (LIH). Also called: LEUCINE-SENSITIVE HYPOGLYCEMIA OF INFANCY. Identifiers: MedGen C0271714, MONDO:0009415, OMIM 240800.
Diabetes mellitus, permanent neonatal 3. Also called: ABCC8-Related Permanent Neonatal Diabetes Mellitus. Identifiers: MedGen C5394303, MONDO:0030088, OMIM 618857.
Type 2 diabetes mellitus. Also called: Type II diabetes mellitus. Identifiers: MedGen C0011860, MeSH D003924, MONDO:0005148, OMIM 125853, HP:0005978.
Diabetes mellitus, transient neonatal, 2 (TNDM2). Identifiers: Orphanet 99886, MedGen C1835887, MONDO:0012480, OMIM 610374. Disease mechanism: loss of function.
Hereditary hyperinsulinism.
ABCC8-related disorder.
Familial hyperinsulinism. Also called: Congenital hyperinsulinism. Identifiers: Orphanet 276525, MedGen C3888018, MONDO:0017182. Disease mechanism: loss of function.

Allele frequency attached by ClinVar (database versions not stated): gnomAD 0.00003 and 0.00004; TOPMed 0.00003; gnomAD exomes 0.00004 and 0.00006; ExAC 0.00007; ESP Exome Variant Server 0.00015.
gnomAD v4.1: 62 of 1,614,116 alleles (0.0038%); highest among the groups gnomAD compares: Non-Finnish European, 0.004%; no homozygotes.

Submissions (11):

PreventionGenetics, part of Exact Sciences
Classification: Pathogenic for ABCC8-related condition. Last evaluated: 2026-01-07. Review status: criteria provided, single submitter. Criteria: ACMG Guidelines, 2015. Collection method: clinical testing. Allele origin: germline.
Comment: The ABCC8 c.3640C>T variant is predicted to result in the amino acid substitution p.Arg1214Trp. This variant, also known as p.Arg1215Trp in the literature, has been reported in the compound heterozygous and homozygous state in individuals with hyperinsulinism (Stanley et al. 2004. PubMed ID: 14715863; Mohnike et al 2014. PubMed ID: 24401662; Garcin et al. 2020. PubMed ID: 32418263) and has been reported in the heterozygous state in individuals with hyperinsulinism (Henwood et al. 2005. PubMed ID: 15562009; Willig et al. 2015. PubMed ID: 25937001). A functional study noted that this variant reduces channel sensitivity (Henwood et al. 2005. PubMed ID: 15562009). An alternate variant at the same amino acid position (p.Arg1214Gln) has been reported in individuals affected with congenital hyperinsulinism and has been documented to be pathogenic (Nestorowicz et al. 1998. PubMed ID: 9618169; Xu et al. 2019. PubMed ID: 31208162). The c.3640C>T variant is reported in 0.016% of alleles in individuals of European (Finnish) descent in gnomAD and is classified as pathogenic in ClinVar (Variation ID: 235633). This variant is interpreted as pathogenic.

Natera, Inc.
Classification: Pathogenic for Hereditary hyperinsulinism. Last evaluated: 2025-03-03. Review status: criteria provided, single submitter. Criteria: Natera Variant Classification Schema (03/2026). Collection method: clinical testing. Allele origin: germline.
Comment: The c.3640C>T variant in ABCC8 is a missense variant predicted to cause substitution of arginine to tryptophan at amino acid 1214. This variant is rare in the general population with a frequency below the threshold expected for the associated phenotype(s). This variant has been observed in one or more individuals affected with the associated recessive disease, as either homozygous or compound heterozygous with a second variant (PMID: 24401662, 28442472, 31997554, 27682711). Computational prediction algorithms indicate this variant is likely to affect gene or protein function. Given the available evidence, this variant is classified as Pathogenic.

Blueprint Genetics
Classification: Pathogenic for ABCC8-related disorders. Last evaluated: 2024-10-21. Review status: criteria provided, single submitter. Criteria: ACMG Guidelines, 2015. Collection method: clinical testing. Allele origin: germline. Affected: yes. Observed: 5 variant alleles.

Labcorp Genetics (formerly Invitae), Labcorp
Classification: Pathogenic. Last evaluated: 2024-02-14. Review status: criteria provided, single submitter. Criteria: Invitae Variant Classification Sherloc (09022015). Collection method: clinical testing. Allele origin: germline.
Comment: This sequence change replaces arginine, which is basic and polar, with tryptophan, which is neutral and slightly polar, at codon 1214 of the ABCC8 protein (p.Arg1214Trp). This variant is present in population databases (rs139964066, gnomAD 0.02%). This missense change has been observed in individuals with autosomal recessive congenital hyperinsulinemia (PMID: 17575084, 23275527, 24401662, 24937539, 26180531, 28442472). This variant is also known as p.Arg1215Trp. ClinVar contains an entry for this variant (Variation ID: 235633). Advanced modeling of protein sequence and biophysical properties (such as structural, functional, and spatial information, amino acid conservation, physicochemical variation, residue mobility, and thermodynamic stability) performed at Invitae indicates that this missense variant is expected to disrupt ABCC8 protein function with a positive predictive value of 80%. This variant disrupts the p.Arg1214 amino acid residue in ABCC8. Other variant(s) that disrupt this residue have been determined to be pathogenic (PMID: 14692646, 15562009, 20685672, 23275527). This suggests that this residue is clinically significant, and that variants that disrupt this residue are likely to be disease-causing. For these reasons, this variant has been classified as Pathogenic.

Baylor Genetics
Classification: Pathogenic for Type 2 diabetes mellitus. Last evaluated: 2024-01-24. Review status: criteria provided, single submitter. Criteria: ACMG Guidelines, 2015. Collection method: clinical testing. Allele origin: unknown.

Women's Health and Genetics/Laboratory Corporation of America, LabCorp
Classification: Pathogenic for Familial hyperinsulinism. Last evaluated: 2017-01-12. Review status: criteria provided, single submitter. Criteria: LabCorp Variant Classification Summary - May 2015. Collection method: clinical testing. Allele origin: germline.
Comment: Variant summary: The ABCC8 c.3640C>T (p.Arg1214Trp also known as p.Arg1215Trp) variant located in the ABC transporter type 1, transmembrane domain (via InterPro) causes a missense change involving a conserved nucleotide, which 4/4 in silico tools (SNPs&GO not captured due to low reliability index) predict a damaging outcome. The variant of interest was observed in the large, broad control population, ExAC, with an allele frequency of 8/121412 (1/15174), which does not exceed the estimated maximal expected allele frequency for a pathogenic ABCC8 variant of 1/298. Multiple publications cite the variant in affected individuals, who are compound heterozygotes. In addition, multiple clinical diagnostic laboratory classifies this variant as pathogenic. Taken together, this variant is classified as pathogenic.

Center for Pediatric Genomic Medicine, Children's Mercy Hospital and Clinics
Classification: Pathogenic. Last evaluated: 2014-08-27. Review status: criteria provided, single submitter. Criteria: ACMG Guidelines, 2015. Collection method: clinical testing. Allele origin: germline.

Clinical Genetics Service, Universitary Hospital 12 de Octubre
Classification: Pathogenic for Hyperinsulinemic hypoglycemia, familial, 1. Review status: criteria provided, single submitter. Criteria: ACMG Guidelines, 2015. Collection method: clinical testing. Allele origin: germline. Affected: yes.

Juno Genomics, Hangzhou Juno Genomics, Inc
Classification: Pathogenic for Type 2 diabetes mellitus; Diabetes mellitus, permanent neonatal 3; Diabetes mellitus, transient neonatal, 2; Hyperinsulinemic hypoglycemia, familial, 1; Leucine-induced hypoglycemia. Review status: criteria provided, single submitter. Criteria: ACMG Guidelines, 2015. Collection method: clinical testing. Allele origin: germline.
Comment: Absent from controls (or at extremely low frequency if recessive) in Genome Aggregation Database.;Multiple lines of computational evidence support a deleterious effect on the gene or gene product.;For recessive disorders, detected in trans with a pathogenic variant.;The prevalence of the variant in affected individuals is significantly increased compared to the prevalence in controls.;Patient's phenotype or family history is highly specific for a disease with a single genetic etiology.;Novel missense change at an amino acid residue where a different missense change determined to be pathogenic has been seen before.

Cardiovascular Genetics Laboratory, PathWest Laboratory Medicine WA - Fiona Stanley Hospital
Classification: Pathogenic for Hyperinsulinemic hypoglycemia, familial, 1. Last evaluated: 2025-08-20. Review status: no assertion criteria provided. Criteria: ACMG Guidelines, 2015. Collection method: clinical testing. Allele origin: germline. Affected: yes. Not counted in ClinVar's aggregate classification.

Counsyl
Classification: Likely pathogenic for Hyperinsulinemic hypoglycemia, familial, 1. Last evaluated: 2017-03-21. Review status: no assertion criteria provided. Collection method: clinical testing. Allele origin: unknown. Not counted in ClinVar's aggregate classification.

Literature cited by the submitters: PubMed 24401662 (cited by 3 submitters); PubMed 28442472 (cited by Natera, Inc. and Labcorp Genetics (formerly Invitae), Labcorp); PubMed 31997554 (cited by Natera, Inc.); PubMed 27682711 (cited by Natera, Inc. and Counsyl); PubMed 17575084 (cited by Labcorp Genetics (formerly Invitae), Labcorp); PubMed 23275527 (cited by 3 submitters); PubMed 24937539 (cited by Labcorp Genetics (formerly Invitae), Labcorp); PubMed 26180531 (cited by 3 submitters); PubMed 14692646 (cited by Labcorp Genetics (formerly Invitae), Labcorp); PubMed 15562009 (cited by Labcorp Genetics (formerly Invitae), Labcorp); PubMed 20685672 (cited by Labcorp Genetics (formerly Invitae), Labcorp); PubMed 14715863 (cited by Women's Health and Genetics/Laboratory Corporation of America, LabCorp); PubMed 16969006 (cited by Women's Health and Genetics/Laboratory Corporation of America, LabCorp and Counsyl); PubMed 23345197 (cited by Women's Health and Genetics/Laboratory Corporation of America, LabCorp and Counsyl); PubMed 24145932 (cited by Women's Health and Genetics/Laboratory Corporation of America, LabCorp and Counsyl); PubMed 23771172 (cited by Counsyl); PubMed 25781672 (cited by Counsyl).